The following is an entry in ClinVar:

ClinVar aggregate classification (germline): Likely benign. Review status: criteria provided, multiple submitters, no conflicts (2 of 4 stars). 4 submissions from 4 submitters: Likely benign (3). 1 of the submissions does not count toward it. Last evaluated 2026-04-01.

Conditions:
Epilepsy. Also called: Seizure disorder. Identifiers: MedGen C0014544, MeSH D004827, MONDO:0005027.
PIGQ-related disorder. Also called: PIGQ-related condition.

Allele frequency attached by ClinVar (database versions not stated): 1000 Genomes Project 0.00020; 1000 Genomes Project 30x 0.00031; ExAC 0.00038; gnomAD 0.00048 and 0.00049; gnomAD exomes 0.00052 and 0.00084; ESP Exome Variant Server 0.00054; TOPMed 0.00066.
gnomAD v4.1: 1,286 of 1,608,740 alleles (0.08%); highest among the groups gnomAD compares: Non-Finnish European, 0.099%; 2 homozygotes.

Submissions (4):

CeGaT Center for Human Genetics Tuebingen
Classification: Likely benign. Last evaluated: 2026-04-01. Review status: criteria provided, single submitter. Criteria: CeGaT Center For Human Genetics Tuebingen Variant Classification Criteria Version 2. Collection method: clinical testing. Allele origin: germline. Affected: yes. Observed: 4 variant alleles.
Comment: PIGQ: BP4, BP7

Labcorp Genetics (formerly Invitae), Labcorp
Classification: Likely benign for Epilepsy. Last evaluated: 2026-01-28. Review status: criteria provided, single submitter. Criteria: Invitae Variant Classification Sherloc (09022015). Collection method: clinical testing. Allele origin: germline.

Blueprint Genetics
Classification: Likely benign. Last evaluated: 2024-11-05. Review status: criteria provided, single submitter. Criteria: ACMG Guidelines, 2015. Collection method: clinical testing. Allele origin: germline.

PreventionGenetics, part of Exact Sciences
Classification: Likely benign for PIGQ-related condition. Last evaluated: 2024-09-17. Review status: no assertion criteria provided. Collection method: clinical testing. Allele origin: germline. Not counted in ClinVar's aggregate classification.
Comment: This variant is classified as likely benign based on ACMG/AMP sequence variant interpretation guidelines (Richards et al. 2015 PMID: 25741868, with internal and published modifications).

NM_004204.5(PIGQ):c.1209C>T (p.Tyr403=)

Gene: PIGQ (phosphatidylinositol glycan anchor biosynthesis class Q; plus strand). Cytogenetic location: 16p13.3.
Variant type: single nucleotide variant.
Coding change: c.1209C>T on transcript NM_004204.5 (MANE Select); coding-DNA position 1209, C replaced by T.
Protein change: p.Tyr403=; no amino-acid change (tyrosine 403 retained).
Molecular consequence: synonymous variant.
Genome position (GRCh38, 1-based): chr16:578,924, C>T. VCF-style: chr16-578924-C-T. GRCh37 (hg19) VCF-style: chr16-628924-C-T.
Other names: c.1209C>T, p.Tyr403= (NM_148920.4).
Identifiers: ClinVar variation 456028 (VCV000456028.37), dbSNP rs140668735, ClinGen allele CA7780151.